The following is an entry in ClinVar:

ClinVar aggregate classification (germline): Uncertain significance (1 of 4 stars; one submission).

gnomAD v4.1: 2 of 1,613,988 alleles (0.00012%); highest among the groups gnomAD compares: Non-Finnish European, 0.00017%; no homozygotes.

Submission:

Labcorp Genetics (formerly Invitae), Labcorp
Classification: Uncertain significance. Last evaluated: 2025-10-23. Review status: criteria provided, single submitter. Criteria: Invitae Variant Classification Sherloc (09022015). Collection method: clinical testing. Allele origin: germline.
Comment: This sequence change replaces glutamine, which is neutral and polar, with glutamic acid, which is acidic and polar, at codon 217 of the SLC10A2 protein (p.Gln217Glu). This variant is not present in population databases (gnomAD no frequency). This variant has not been reported in the literature in individuals affected with SLC10A2-related conditions. Invitae Evidence Modeling of protein sequence and biophysical properties (such as structural, functional, and spatial information, amino acid conservation, physicochemical variation, residue mobility, and thermodynamic stability) indicates that this missense variant is not expected to disrupt SLC10A2 protein function with a negative predictive value of 80%. In summary, the available evidence is currently insufficient to determine the role of this variant in disease. Therefore, it has been classified as a Variant of Uncertain Significance.

NM_000452.3(SLC10A2):c.649C>G (p.Gln217Glu)

Gene: SLC10A2 (solute carrier family 10 member 2; minus strand). Cytogenetic location: 13q33.1.
Variant type: single nucleotide variant.
Coding change: c.649C>G on transcript NM_000452.3 (MANE Select); coding-DNA position 649, C replaced by G.
Protein change: p.Gln217Glu; replaces glutamine 217 with glutamic acid.
Molecular consequence: missense variant.
Genome position (GRCh38, 1-based): chr13:103,051,369, G>C on the plus strand (C>G on the coding strand, the complement: SLC10A2 is on the minus strand). VCF-style: chr13-103051369-G-C. GRCh37 (hg19) VCF-style: chr13-103703719-G-C.
Other names: short protein forms Q217E.
Identifiers: ClinVar variation 4808346 (VCV004808346.1).